The following is an entry in ClinVar:

NM_000051.4(ATM):c.8161G>T (p.Asp2721Tyr)

Genes: ATM (ATM serine/threonine kinase; plus strand), C11orf65 (chromosome 11 open reading frame 65; minus strand). Cytogenetic location: 11q22.3.
Variant type: single nucleotide variant.
Coding change: c.8161G>T on transcript NM_000051.4 (MANE Select); coding-DNA position 8161, G replaced by T.
Protein change: p.Asp2721Tyr; replaces aspartic acid 2721 with tyrosine.
Molecular consequence: missense variant. On other transcripts: intron variant (2).
Genome position (GRCh38, 1-based): chr11:108,335,854, G>T. VCF-style: chr11-108335854-G-T. GRCh37 (hg19) VCF-style: chr11-108206581-G-T.
Other names: c.8161G>T, p.Asp2721Tyr (NM_001351834.2); c.641-26783C>A (NM_001330368.2); c.695-562C>A (NM_001351110.2); short protein forms D2721Y.
Identifiers: ClinVar variation 951419 (VCV000951419.10), dbSNP rs876659066, ClinGen allele CA382562474.

ClinVar aggregate classification (germline): Uncertain significance (1 of 4 stars; one submission).

Conditions:
Ataxia-telangiectasia syndrome (AT). Also called: Ataxia-telangiectasia, complementation group D; AT, COMPLEMENTATION GROUP C; ATAXIA-TELANGIECTASIA, COMPLEMENTATION GROUP A; ATAXIA-TELANGIECTASIA, FRESNO VARIANT; Ataxia-telangiectasia; Ataxia telangiectasia (A-T). Identifiers: Orphanet 100, MedGen C0004135, MONDO:0008840, OMIM 208900.

Submission:

Labcorp Genetics (formerly Invitae), Labcorp
Classification: Uncertain significance for Ataxia-telangiectasia syndrome. Last evaluated: 2024-11-06. Review status: criteria provided, single submitter. Criteria: Invitae Variant Classification Sherloc (09022015). Collection method: clinical testing. Allele origin: germline.
Comment: This sequence change replaces aspartic acid, which is acidic and polar, with tyrosine, which is neutral and polar, at codon 2721 of the ATM protein (p.Asp2721Tyr). This variant is not present in population databases (gnomAD no frequency). This variant has not been reported in the literature in individuals affected with ATM-related conditions. This missense change has been observed to co-occur in individuals with a different variant in ATM that has been determined to be pathogenic (internal data), but the significance of this finding is unclear. ClinVar contains an entry for this variant (Variation ID: 951419). Invitae Evidence Modeling of protein sequence and biophysical properties (such as structural, functional, and spatial information, amino acid conservation, physicochemical variation, residue mobility, and thermodynamic stability) indicates that this missense variant is expected to disrupt ATM protein function with a positive predictive value of 95%. In summary, the available evidence is currently insufficient to determine the role of this variant in disease. Therefore, it has been classified as a Variant of Uncertain Significance.